The following is an entry in ClinVar:

NM_025099.6(CTC1):c.896G>A (p.Trp299Ter)

Gene: CTC1 (CST telomere replication complex component 1; minus strand). Cytogenetic location: 17p13.1.
Variant type: single nucleotide variant.
Coding change: c.896G>A on transcript NM_025099.6 (MANE Select); coding-DNA position 896, G replaced by A.
Protein change: p.Trp299Ter; replaces tryptophan 299 with a stop codon.
Molecular consequence: nonsense. On other transcripts: non-coding transcript variant (1).
Genome position (GRCh38, 1-based): chr17:8,236,239, C>T on the plus strand (G>A on the coding strand, the complement: CTC1 is on the minus strand). VCF-style: chr17-8236239-C-T. GRCh37 (hg19) VCF-style: chr17-8139557-C-T.
Other names: c.896G>A, p.Trp299Ter (NM_001411067.1); short protein forms W299*.
Identifiers: ClinVar variation 2694929 (VCV002694929.3), dbSNP rs2507932362, ClinGen allele CA397988643.
Genomic context (GRCh38, chr17:8,236,239, plus strand): 5'-TCCAGCTCCTGCACACATTCTGGTTTCAGCAGCAACAGACGGGAGGACTGACTGGTCATC[C>T]AAACATGCTGGCGCTGACCACGGATCTTGGACACTCGCAGTTCTGTCAGCACATAGGCTG-3'

ClinVar aggregate classification (germline): Pathogenic (1 of 4 stars; one submission).

Conditions:
Dyskeratosis congenita. Identifiers: Orphanet 1775, MedGen C0265965, MONDO:0015780.

Allele frequency attached by ClinVar (database versions not stated): gnomAD exomes below 0.00001.

Submission:

Labcorp Genetics (formerly Invitae), Labcorp
Classification: Pathogenic for Dyskeratosis congenita. Last evaluated: 2023-11-29. Review status: criteria provided, single submitter. Criteria: Invitae Variant Classification Sherloc (09022015). Collection method: clinical testing. Allele origin: germline.
Comment: This sequence change creates a premature translational stop signal (p.Trp299*) in the CTC1 gene. It is expected to result in an absent or disrupted protein product. Loss-of-function variants in CTC1 are known to be pathogenic (PMID: 22267198, 22387016). This variant is not present in population databases (gnomAD no frequency). This variant has not been reported in the literature in individuals affected with CTC1-related conditions. For these reasons, this variant has been classified as Pathogenic.

Literature cited by the submitters: PubMed 22267198; PubMed 22387016.